The following is an entry in ClinVar:

ClinVar aggregate classification (germline): Uncertain significance (1 of 4 stars; one submission).

Conditions:
Myopathy, centronuclear, 2 (CNM2). Also called: MYOTUBULAR MYOPATHY, AUTOSOMAL RECESSIVE. Identifiers: Orphanet 169186, MedGen CN031787, MONDO:0009709, OMIM 255200.

Submission:

Labcorp Genetics (formerly Invitae), Labcorp
Classification: Uncertain significance for Myopathy, centronuclear, 2. Last evaluated: 2024-11-19. Review status: criteria provided, single submitter. Criteria: Invitae Variant Classification Sherloc (09022015). Collection method: clinical testing. Allele origin: germline.
Comment: This sequence change replaces arginine, which is basic and polar, with cysteine, which is neutral and slightly polar, at codon 24 of the BIN1 protein (p.Arg24Cys). This variant is not present in population databases (gnomAD no frequency). This missense change has been observed in individual(s) with autosomal dominant centronuclear myopathy (PMID: 25260562). ClinVar contains an entry for this variant (Variation ID: 2734263). Invitae Evidence Modeling of protein sequence and biophysical properties (such as structural, functional, and spatial information, amino acid conservation, physicochemical variation, residue mobility, and thermodynamic stability) indicates that this missense variant is expected to disrupt BIN1 protein function with a positive predictive value of 80%. Experimental studies have shown that this missense change affects BIN1 function (PMID: 25260562). In summary, the available evidence is currently insufficient to determine the role of this variant in disease. Therefore, it has been classified as a Variant of Uncertain Significance.

Literature cited by the submitters: PubMed 25260562.

NM_139343.3(BIN1):c.70C>T (p.Arg24Cys)

Gene: BIN1 (bridging integrator 1; minus strand). Cytogenetic location: 2q14.3.
Variant type: single nucleotide variant.
Coding change: c.70C>T on transcript NM_139343.3 (MANE Select); coding-DNA position 70, C replaced by T.
Protein change: p.Arg24Cys; replaces arginine 24 with cysteine.
Molecular consequence: missense variant.
Genome position (GRCh38, 1-based): chr2:127,106,874, G>A on the plus strand (C>T on the coding strand, the complement: BIN1 is on the minus strand). VCF-style: chr2-127106874-G-A. GRCh37 (hg19) VCF-style: chr2-127864450-G-A.
Other names: c.70C>T, p.Arg24Cys (NM_001320632.2, NM_001320633.2, NM_001320640.2 and 10 more transcripts); short protein forms R24C.
Identifiers: ClinVar variation 2734263 (VCV002734263.3), dbSNP rs2105378684, ClinGen allele CA348376115.
Genomic context (GRCh38, chr2:127,106,874, plus strand): 5'-CGCGGCGGCTGGGACTCCGCGGCTGCTGGGGCTCCGGCTCGCTCACCTTCTCCTGCGCGC[G>A]GGTGAGCTTCTTCTGCACGTTGCTGGCGATCTTTCCCGCCGTCACCCCTTTACTGCCCAT-3'
Protein context (NP_647593.1, residues 14-34): IASNVQKKLT[Arg24Cys]AQEKVLQKLG